The following is an entry in ClinVar:

NM_000329.3(RPE65):c.48T>C (p.Phe16=)

Gene: RPE65 (retinoid isomerohydrolase RPE65; minus strand). Cytogenetic location: 1p31.3.
Variant type: single nucleotide variant.
Coding change: c.48T>C on transcript NM_000329.3 (MANE Select); coding-DNA position 48, T replaced by C.
Protein change: p.Phe16=; no amino-acid change (phenylalanine 16 retained).
Molecular consequence: synonymous variant.
Genome position (GRCh38, 1-based): chr1:68,448,670, A>G on the plus strand (T>C on the coding strand, the complement: RPE65 is on the minus strand). VCF-style: chr1-68448670-A-G. GRCh37 (hg19) VCF-style: chr1-68914353-A-G.
Other names: NM_000329.3(RPE65):c.48T>C; p.Phe16=.
Identifiers: ClinVar variation 98871 (VCV000098871.22), dbSNP rs62642581, ClinGen allele CA226554.

ClinVar aggregate classification (germline): Likely benign. Review status: reviewed by expert panel (3 of 4 stars). 11 submissions from 10 submitters: Likely benign (1). 10 of the submissions do not count toward it. Last evaluated 2024-04-22.

Conditions:
Leber congenital amaurosis (LCA). Also called: Leber's amaurosis. Identifiers: Orphanet 65, MedGen C0339527, MeSH D057130, MONDO:0018998.
RPE65-related recessive retinopathy. Also called: Recessive RPE65 retinopathy. Identifiers: MedGen CN305526, MONDO:0100368.
Retinitis pigmentosa 20 (RP20). Identifiers: Orphanet 791, MedGen C3151086, MONDO:0013425, OMIM 613794.
Leber congenital amaurosis 2 (LCA2). Also called: AMAUROSIS CONGENITA OF LEBER II; Autosomal Recessive RPE65-Related Retinal Degeneration. Identifiers: Orphanet 65, MedGen C1859844, MONDO:0008765, OMIM 204100. Disease mechanism: loss of function.
Retinitis pigmentosa (RP). Identifiers: Orphanet 791, MedGen C0035334, MeSH D012174, MONDO:0019200, OMIM 268000. Inheritance: Autosomal dominant, autosomal recessive and X linked inheritance.

Allele frequency attached by ClinVar (database versions not stated): 1000 Genomes Project 30x 0.00016; 1000 Genomes Project 0.00020; ExAC 0.00040; TOPMed 0.00042; gnomAD exomes 0.00043 and 0.00084; ESP Exome Variant Server 0.00046; gnomAD 0.00056 and 0.00059.
gnomAD v4.1: 1,293 of 1,613,884 alleles (0.08%); highest among the groups gnomAD compares: Non-Finnish European, 0.11%; 2 homozygotes.

Submissions (11):

ClinGen Leber Congenital Amaurosis/early Onset Retinal Dystrophy Variant Curation Expert Panel, ClinGen
Classification: Likely benign for RPE65-related recessive retinopathy. Last evaluated: 2024-04-22. Review status: reviewed by expert panel. Criteria: ClinGen LCAeoRD ACMG Specifications RPE65 V1.0.0. Collection method: curation. Allele origin: germline. Inheritance: Autosomal recessive inheritance.
Comment: NM_000329.3(RPE65):c.48T>C (p.Phe16=) is a synonymous (silent) variant in exon 2. This variant is present in gnomAD v.4.0.0 at a GrpMax allele frequency of 0.001007, with 1250 alleles/1179940 total alleles in the European (non-Finnish) population, which is higher than the ClinGen LCA/eoRD VCEP BS1 threshold of >0.0008 (BS1). The REVEL score for this variant is 0, which is below the ClinGen LCA/eoRD VCEP threshold of <0.183 and predicts a non-damaging effect on RPE65 function. Additionally, the splicing impact predictor, SpliceAI, gives a score of 0.01, which is below the ClinGen LCA/eoRD VCEP recommended threshold of <0.1 and does not predict an impact on splicing (BP4, BP7). In summary, this variant meets the criteria to be classified as likely benign for RPE65-related recessive retinopathy based on the ACMG/AMP criteria applied, as specified by the ClinGen LCA/eoRD VCEP: BS1, BP4, and BP7. (VCEP specifications version 1.0.0; date of approval 09/21/2023).

Labcorp Genetics (formerly Invitae), Labcorp
Classification: Benign for Leber congenital amaurosis 2; Retinitis pigmentosa 20. Last evaluated: 2026-01-22. Review status: criteria provided, single submitter. Criteria: Invitae Variant Classification Sherloc (09022015). Collection method: clinical testing. Allele origin: germline. Not counted in ClinVar's aggregate classification.

Blueprint Genetics
Classification: Likely benign. Last evaluated: 2024-11-19. Review status: criteria provided, single submitter. Criteria: ACMG Guidelines, 2015. Collection method: clinical testing. Allele origin: germline. Not counted in ClinVar's aggregate classification.

Illumina Laboratory Services, Illumina
Classification: Uncertain significance for Retinitis pigmentosa. Last evaluated: 2018-01-12. Review status: criteria provided, single submitter. Criteria: ICSL Variant Classification Criteria 13 December 2019. Collection method: clinical testing. Allele origin: germline. Not counted in ClinVar's aggregate classification.

Illumina Laboratory Services, Illumina
Classification: Uncertain significance for Leber congenital amaurosis 2. Last evaluated: 2018-01-12. Review status: criteria provided, single submitter. Criteria: ICSL Variant Classification Criteria 13 December 2019. Collection method: clinical testing. Allele origin: germline. Not counted in ClinVar's aggregate classification.

GeneDx
Classification: Benign. Last evaluated: 2015-03-03. Review status: criteria provided, single submitter. Criteria: GeneDx Variant Classification Process June 2021. Collection method: clinical testing. Allele origin: germline. Affected: yes. Not counted in ClinVar's aggregate classification.

Natera, Inc.
Classification: Likely benign for Leber congenital amaurosis. Last evaluated: 2020-06-05. Review status: no assertion criteria provided. Collection method: clinical testing. Allele origin: germline. Not counted in ClinVar's aggregate classification.

Counsyl
Classification: Likely benign for Leber congenital amaurosis 2; Retinitis pigmentosa 20. Last evaluated: 2018-05-29. Review status: no assertion criteria provided. Collection method: clinical testing. Allele origin: unknown. Not counted in ClinVar's aggregate classification.

Clinical Genetics DNA and cytogenetics Diagnostics Lab, Erasmus MC, Erasmus Medical Center
Classification: Likely benign. Review status: no assertion criteria provided. Collection method: clinical testing. Allele origin: germline. Affected: yes. Study: VKGL Data-share Consensus. Not counted in ClinVar's aggregate classification.

Clinical Genetics, Academic Medical Center
Classification: Benign. Review status: no assertion criteria provided. Collection method: clinical testing. Allele origin: germline. Affected: yes. Study: VKGL Data-share Consensus. Not counted in ClinVar's aggregate classification.

Retina International
No classification provided. Review status: no classification provided. Collection method: not provided. Allele origin: not provided. Not counted in ClinVar's aggregate classification.